The following is an entry in ClinVar:

ClinVar aggregate classification (germline): Uncertain significance (1 of 4 stars; one submission).

Allele frequency attached by ClinVar (database versions not stated): 1000 Genomes Project 30x 0.00016; gnomAD 0.00019; TOPMed 0.00006; ExAC 0.00020; ESP Exome Variant Server 0.00023; 1000 Genomes Project 0.00020.
gnomAD v4.1: 157 of 1,604,984 alleles (0.0098%); highest among the groups gnomAD compares: East Asian, 0.0067%; no homozygotes.

Submission:

Labcorp Genetics (formerly Invitae), Labcorp
Classification: Uncertain significance. Last evaluated: 2025-07-13. Review status: criteria provided, single submitter. Criteria: Invitae Variant Classification Sherloc (09022015). Collection method: clinical testing. Allele origin: germline.
Comment: This sequence change replaces arginine, which is basic and polar, with glutamine, which is neutral and polar, at codon 943 of the TNK2 protein (p.Arg943Gln). This variant is present in population databases (rs202157460, gnomAD 0.2%), and has an allele count higher than expected for a pathogenic variant. This variant has not been reported in the literature in individuals affected with TNK2-related conditions. ClinVar contains an entry for this variant (Variation ID: 2780855). An algorithm developed to predict the effect of missense changes on protein structure and function (PolyPhen-2) suggests that this variant is likely to be disruptive. In summary, the available evidence is currently insufficient to determine the role of this variant in disease. Therefore, it has been classified as a Variant of Uncertain Significance.

NM_001382273.1(TNK2):c.2639G>A (p.Arg880Gln)

Gene: TNK2 (tyrosine kinase non receptor 2; minus strand). Cytogenetic location: 3q29.
Variant type: single nucleotide variant.
Coding change: c.2639G>A on transcript NM_001382273.1 (MANE Select); coding-DNA position 2639, G replaced by A.
Protein change: p.Arg880Gln; replaces arginine 880 with glutamine.
Molecular consequence: missense variant. On other transcripts: non-coding transcript variant (15).
Genome position (GRCh38, 1-based): chr3:195,867,659, C>T on the plus strand (G>A on the coding strand, the complement: TNK2 is on the minus strand). VCF-style: chr3-195867659-C-T. GRCh37 (hg19) VCF-style: chr3-195594530-C-T.
Other names: c.2594G>A, p.Arg865Gln (NM_001387712.1, NM_001387713.1, NM_001387714.1 and 8 more transcripts); c.2666G>A, p.Arg889Gln (NM_001387715.1, NM_001387708.1); c.2639G>A, p.Arg880Gln (NM_001387716.1, NM_001387717.1, NM_001387718.1 and 1 more transcripts); c.2711G>A, p.Arg904Gln (NM_001382272.1, NM_001010938.2); c.2735G>A, p.Arg912Gln (NM_001382275.1, NM_001387707.1); c.2690G>A, p.Arg897Gln (NM_001308046.2, NM_001382271.1); short protein forms R865Q, R880Q, R889Q, R897Q, R904Q, R912Q.
Identifiers: ClinVar variation 2780855 (VCV002780855.3), dbSNP rs202157460, ClinGen allele CA2775856.